The following is an entry in ClinVar:

NM_001164508.2(NEB):c.23511G>A (p.Thr7837=)

Genes: NEB (nebulin; minus strand), RIF1 (replication timing regulatory factor 1; plus strand). Cytogenetic location: 2q23.3.
Variant type: single nucleotide variant.
Coding change: c.23511G>A on transcript NM_001164508.2 (MANE Select); coding-DNA position 23511, G replaced by A.
Protein change: p.Thr7837=; no amino-acid change (threonine 7837 retained).
Molecular consequence: synonymous variant.
Genome position (GRCh38, 1-based): chr2:151,506,954, C>T on the plus strand (G>A on the coding strand, the complement: NEB is on the minus strand). VCF-style: chr2-151506954-C-T. GRCh37 (hg19) VCF-style: chr2-152363468-C-T.
Other names: p.Thr7872=; c.23511G>A, p.Thr7837= (NM_001164507.2); c.23616G>A, p.Thr7872= (NM_001271208.2); c.18408G>A, p.Thr6136= (NM_004543.5).
Identifiers: ClinVar variation 129734 (VCV000129734.24), dbSNP rs35808744, ClinGen allele CA153968.

ClinVar aggregate classification (germline): Benign/Likely benign. Review status: criteria provided, multiple submitters, no conflicts (2 of 4 stars). 8 submissions from 8 submitters: Benign (5); Likely benign (1). 2 of the submissions do not count toward it. Last evaluated 2026-01-31.

Conditions:
Nemaline myopathy 2 (NEM2). Also called: Nemaline myopathy 2, autosomal recessive. Identifiers: MedGen C1850569, MONDO:0009725, OMIM 256030.

Allele frequency attached by ClinVar (database versions not stated): gnomAD 0.01110 and 0.01201; 1000 Genomes Project 0.01138; 1000 Genomes Project 30x 0.01265; ESP Exome Variant Server 0.01325; TOPMed 0.01376.
gnomAD v4.1: 3,312 of 1,611,470 alleles (0.21%); highest among the groups gnomAD compares: African/African-American, 3.9%; 70 homozygotes.

Submissions (8):

Labcorp Genetics (formerly Invitae), Labcorp
Classification: Benign for Nemaline myopathy 2. Last evaluated: 2026-01-31. Review status: criteria provided, single submitter. Criteria: Invitae Variant Classification Sherloc (09022015). Collection method: clinical testing. Allele origin: germline.

Women's Health and Genetics/Laboratory Corporation of America, LabCorp
Classification: Likely benign. Last evaluated: 2023-03-19. Review status: criteria provided, single submitter. Criteria: LabCorp Variant Classification Summary - May 2015. Collection method: clinical testing. Allele origin: germline.

Mayo Clinic Laboratories, Mayo Clinic
Classification: Benign. Last evaluated: 2019-02-28. Review status: criteria provided, single submitter. Criteria: ACMG Guidelines, 2015. Collection method: clinical testing. Allele origin: germline. Observed: 9 variant alleles.

Illumina Laboratory Services, Illumina
Classification: Benign for Nemaline myopathy 2. Last evaluated: 2018-01-13. Review status: criteria provided, single submitter. Criteria: ICSL Variant Classification Criteria 13 December 2019. Collection method: clinical testing. Allele origin: germline.
Comment: This variant was observed in the ICSL laboratory as part of a predisposition screen in an ostensibly healthy population. It had not been previously curated by ICSL or reported in the Human Gene Mutation Database (HGMD: prior to June 1st, 2018), and was therefore a candidate for classification through an automated scoring system. Utilizing variant allele frequency, disease prevalence and penetrance estimates, and inheritance mode, an automated score was calculated to assess if this variant is too frequent to cause the disease. Based on the score and internal cut-off values, a variant classified as benign is not then subjected to further curation. The score for this variant resulted in a classification of benign for this disease.

GeneDx
Classification: Benign. Last evaluated: 2016-07-25. Review status: criteria provided, single submitter. Criteria: GeneDx Variant Classification (06012015). Collection method: clinical testing. Allele origin: germline. Affected: yes.
Comment: This variant is considered likely benign or benign based on one or more of the following criteria: it is a conservative change, it occurs at a poorly conserved position in the protein, it is predicted to be benign by multiple in silico algorithms, and/or has population frequency not consistent with disease.

Breakthrough Genomics
Classification: Benign. Review status: criteria provided, single submitter. Criteria: ACMG Guidelines, 2015. Collection method: not provided. Allele origin: germline. Inheritance: Autosomal recessive inheritance. Affected: yes.

Natera, Inc.
Classification: Benign for Nemaline myopathy type 2. Last evaluated: 2020-09-16. Review status: no assertion criteria provided. Collection method: clinical testing. Allele origin: germline. Not counted in ClinVar's aggregate classification.

Genetic Services Laboratory, University of Chicago
Classification: Likely benign for AllHighlyPenetrant. Review status: no assertion criteria provided. Collection method: clinical testing. Allele origin: germline. Inheritance: Autosomal recessive inheritance. Not counted in ClinVar's aggregate classification.
Comment: Likely benign based on allele frequency in 1000 Genomes Project or ESP global frequency and its presence in a patient with a rare or unrelated disease phenotype. NOT Sanger confirmed.